The following is an entry in ClinVar:

ClinVar aggregate classification (germline): Conflicting classifications of pathogenicity. Review status: criteria provided, conflicting classifications (1 of 4 stars). 7 submissions from 7 submitters: Uncertain significance (2); Benign (2); Likely benign (3). Last evaluated 2026-02-01.

Conditions:
DOCK8-related disorder. Also called: DOCK8-related condition.
Combined immunodeficiency due to DOCK8 deficiency (HIES2). Also called: HIES autosomal recessive; Hyper-IgE recurrent infection syndrome, autosomal recessive; DOCK8 Deficiency; HYPER-IgE RECURRENT INFECTION SYNDROME 2, AUTOSOMAL RECESSIVE; HYPER-IgE SYNDROME 2, AUTOSOMAL RECESSIVE, WITH RECURRENT INFECTIONS. Identifiers: Orphanet 217390, MedGen C4722305, MONDO:0009478, OMIM 243700.

Allele frequency attached by ClinVar (database versions not stated): gnomAD 0.00046 and 0.00048; gnomAD exomes 0.00046 and 0.00048; ExAC 0.00047; TOPMed 0.00068; ESP Exome Variant Server 0.00069.

Submissions (7):

Labcorp Genetics (formerly Invitae), Labcorp
Classification: Benign for Combined immunodeficiency due to DOCK8 deficiency. Last evaluated: 2026-02-01. Review status: criteria provided, single submitter. Criteria: Invitae Variant Classification Sherloc (09022015). Collection method: clinical testing. Allele origin: germline.

Blueprint Genetics
Classification: Likely benign. Last evaluated: 2024-11-11. Review status: criteria provided, single submitter. Criteria: ACMG Guidelines, 2015. Collection method: clinical testing. Allele origin: germline.

CeGaT Center for Human Genetics Tuebingen
Classification: Likely benign. Last evaluated: 2023-07-01. Review status: criteria provided, single submitter. Criteria: CeGaT Center For Human Genetics Tuebingen Variant Classification Criteria Version 2. Collection method: clinical testing. Allele origin: germline. Affected: yes. Observed: 3 variant alleles.
Comment: DOCK8: BP4

PreventionGenetics, part of Exact Sciences
Classification: Uncertain significance for DOCK8-related condition. Last evaluated: 2022-11-21. Review status: criteria provided, single submitter. Criteria: ACMG Guidelines, 2015. Collection method: clinical testing. Allele origin: germline.
Comment: The DOCK8 c.3058A>G variant is predicted to result in the amino acid substitution p.Ile1020Val. This variant was reported in the homozygous state in two individuals with DOCK8 deficiency (reported as rs151094543 in Table 1, Haskologlu et al 2020. PubMed ID: 32108967). This variant in interpreted as benign/likely benign/uncertain in ClinVar. This variant is reported in 0.091% of alleles in individuals of South Asian descent, including two homozygotes, in gnomAD. At this time, the clinical significance of this variant is uncertain due to the absence of conclusive functional and genetic evidence.

GeneDx
Classification: Likely benign. Last evaluated: 2018-07-20. Review status: criteria provided, single submitter. Criteria: GeneDx Variant Classification Process June 2021. Collection method: clinical testing. Allele origin: germline. Affected: yes.
Comment: This variant is associated with the following publications: (PMID: 32108967)

Illumina Laboratory Services, Illumina
Classification: Uncertain significance for Combined immunodeficiency due to DOCK8 deficiency. Last evaluated: 2018-01-13. Review status: criteria provided, single submitter. Criteria: ICSL Variant Classification Criteria 13 December 2019. Collection method: clinical testing. Allele origin: germline.

Genomic Diagnostic Laboratory, Division of Genomic Diagnostics, Children's Hospital of Philadelphia
Classification: Benign. Last evaluated: 2015-07-24. Review status: criteria provided, single submitter. Criteria: DGD Variant Analysis Guidelines. Collection method: clinical testing. Allele origin: unknown.

NM_203447.4(DOCK8):c.3058A>G (p.Ile1020Val)

Gene: DOCK8 (dedicator of cytokinesis 8; plus strand). Cytogenetic location: 9p24.3.
Variant type: single nucleotide variant.
Coding change: c.3058A>G on transcript NM_203447.4 (MANE Select); coding-DNA position 3058, A replaced by G.
Protein change: p.Ile1020Val; replaces isoleucine 1020 with valine.
Molecular consequence: missense variant.
Genome position (GRCh38, 1-based): chr9:396,872, A>G. VCF-style: chr9-396872-A-G. GRCh37 (hg19) VCF-style: chr9-396872-A-G.
Other names: c.2758A>G, p.Ile920Val (NM_001190458.2); c.2854A>G, p.Ile952Val (NM_001193536.2); short protein forms I1020V, I920V, I952V.
Identifiers: ClinVar variation 218873 (VCV000218873.42), dbSNP rs151094543, ClinGen allele CA249195.